The following is an entry in ClinVar:

ClinVar aggregate classification (germline): Uncertain significance (1 of 4 stars; one submission).

gnomAD v4.1: 1 of 1,614,076 alleles (0.000062%); highest among the groups gnomAD compares: Non-Finnish European, 0.000085%; no homozygotes.

Submission:

Labcorp Genetics (formerly Invitae), Labcorp
Classification: Uncertain significance. Last evaluated: 2025-10-19. Review status: criteria provided, single submitter. Criteria: Invitae Variant Classification Sherloc (09022015). Collection method: clinical testing. Allele origin: germline.
Comment: This sequence change replaces glutamine, which is neutral and polar, with histidine, which is basic and polar, at codon 833 of the SRRM2 protein (p.Gln833His). This variant is not present in population databases (gnomAD no frequency). This variant has not been reported in the literature in individuals affected with SRRM2-related conditions. Experimental studies and prediction algorithms are not available or were not evaluated, and the functional significance of this variant is currently unknown. In summary, the available evidence is currently insufficient to determine the role of this variant in disease. Therefore, it has been classified as a Variant of Uncertain Significance.

NM_016333.4(SRRM2):c.2499A>C (p.Gln833His)

Gene: SRRM2 (serine/arginine repetitive matrix 2; plus strand). Cytogenetic location: 16p13.3.
Variant type: single nucleotide variant.
Coding change: c.2499A>C on transcript NM_016333.4 (MANE Select); coding-DNA position 2499, A replaced by C.
Protein change: p.Gln833His; replaces glutamine 833 with histidine.
Molecular consequence: missense variant.
Genome position (GRCh38, 1-based): chr16:2,763,027, A>C. VCF-style: chr16-2763027-A-C. GRCh37 (hg19) VCF-style: chr16-2813028-A-C.
Other names: short protein forms Q833H.
Identifiers: ClinVar variation 4729491 (VCV004729491.1).